The following is an entry in ClinVar:

NM_001267550.2(TTN):c.80462C>T (p.Pro26821Leu)

Genes: TTN-AS1 (TTN antisense RNA 1; plus strand), TTN (titin; minus strand). Cytogenetic location: 2q31.2.
Variant type: single nucleotide variant.
Coding change: c.80462C>T on transcript NM_001267550.2 (MANE Select); coding-DNA position 80462, C replaced by T.
Protein change: p.Pro26821Leu; replaces proline 26821 with leucine.
Molecular consequence: missense variant.
Genome position (GRCh38, 1-based): chr2:178,565,670, G>A on the plus strand (C>T on the coding strand, the complement: TTN is on the minus strand). VCF-style: chr2-178565670-G-A. GRCh37 (hg19) VCF-style: chr2-179430397-G-A.
Other names: c.75539C>T, p.Pro25180Leu (NM_001256850.1); c.53267C>T, p.Pro17756Leu (NM_003319.4); c.72758C>T, p.Pro24253Leu (NM_133378.4); c.53642C>T, p.Pro17881Leu (NM_133432.3); c.53843C>T, p.Pro17948Leu (NM_133437.4); short protein forms P26821L, P17756L, P25180L, P24253L, P17881L, P17948L.
Identifiers: ClinVar variation 467528 (VCV000467528.13), dbSNP rs200489046, ClinGen allele CA1989341.
Genomic context (GRCh38, chr2:178,565,670, plus strand): 5'-GTAACAACTGCATTACAGACTTTGGATTCAGCCACAATGCTCCATTTTTCAGTTCCTTTG[G>A]GCTGCATTTCAACAACGTACCCCAGGACTCTGCTACCGCCATCATGTTCAGGTTTCTCCC-3'
Protein context (NP_001254479.2, residues 26811-26831): RVLGYVVEMQ[Pro26821Leu]KGTEKWSIVA

ClinVar aggregate classification (germline): Conflicting classifications of pathogenicity. Review status: criteria provided, conflicting classifications (1 of 4 stars). 5 submissions from 5 submitters: Uncertain significance (3); Likely benign (2). Last evaluated 2025-02-04.

Conditions:
Autosomal recessive limb-girdle muscular dystrophy type 2J (LGMDR10). Also called: Limb-girdle muscular dystrophy, type 2J; MUSCULAR DYSTROPHY, LIMB-GIRDLE, AUTOSOMAL RECESSIVE 10. Identifiers: Orphanet 140922, MedGen C1837342, MONDO:0012127, OMIM 608807.
Dilated cardiomyopathy 1G (CMD1G). Identifiers: Orphanet 154, MedGen C1858763, MONDO:0011400, OMIM 604145.
Cardiomyopathy (CMYO). Also called: Cardiomyopathies. Identifiers: Orphanet 167848, MedGen C0878544, MONDO:0004994, HP:0001638. Inheritance: Various modes of inheritance.
Cardiovascular phenotype. Identifiers: MedGen CN230736.

Allele frequency attached by ClinVar (database versions not stated): gnomAD 0.00006 and 0.00009; gnomAD exomes 0.00008 and 0.00020; TOPMed 0.00009; ExAC 0.00012; ESP Exome Variant Server 0.00024.
gnomAD v4.1: 304 of 1,613,440 alleles (0.019%); highest among the groups gnomAD compares: Middle Eastern, 0.05%; no homozygotes.

Submissions (5):

Revvity Omics, Revvity
Classification: Uncertain significance. Last evaluated: 2025-02-04. Review status: criteria provided, single submitter. Criteria: ACMG Guidelines, 2015. Collection method: clinical testing. Allele origin: germline.

Ambry Genetics
Classification: Likely benign for Cardiovascular phenotype. Last evaluated: 2019-05-31. Review status: criteria provided, single submitter. Criteria: Ambry Variant Classification Scheme 2023. Collection method: clinical testing. Allele origin: germline.

GeneDx
Classification: Likely benign. Last evaluated: 2018-05-04. Review status: criteria provided, single submitter. Criteria: GeneDx Variant Classification (06012015). Collection method: clinical testing. Allele origin: germline. Affected: yes.
Comment: This variant is considered likely benign or benign based on one or more of the following criteria: it is a conservative change, it occurs at a poorly conserved position in the protein, it is predicted to be benign by multiple in silico algorithms, and/or has population frequency not consistent with disease.

Labcorp Genetics (formerly Invitae), Labcorp
Classification: Uncertain significance for Dilated cardiomyopathy 1G; Autosomal recessive limb-girdle muscular dystrophy type 2J. Last evaluated: 2017-03-16. Review status: criteria provided, single submitter. Criteria: Invitae Variant Classification Sherloc (09022015). Collection method: clinical testing. Allele origin: germline.

CHEO Genetics Diagnostic Laboratory, Children's Hospital of Eastern Ontario
Classification: Uncertain significance for Cardiomyopathy. Last evaluated: 2016-09-14. Review status: criteria provided, single submitter. Criteria: ACMG Guidelines, 2015. Collection method: clinical testing. Allele origin: germline. Study: Canadian Open Genetics Repository.